The following is an entry in ClinVar:

ClinVar aggregate classification (germline): Uncertain significance (1 of 4 stars; one submission).

Conditions:
Accelerated tumor formation, susceptibility to (ACTFS). Identifiers: MedGen C3280690, OMIM 614401, MONDO:0013733.

Submission:

Labcorp Genetics (formerly Invitae), Labcorp
Classification: Uncertain significance for Accelerated tumor formation, susceptibility to. Last evaluated: 2023-12-03. Review status: criteria provided, single submitter. Criteria: Invitae Variant Classification Sherloc (09022015). Collection method: clinical testing. Allele origin: germline.
Comment: A copy number gain of the genomic region encompassing the full coding sequence of the MDM2 gene has been identified. The boundaries of this event are unknown as they extend beyond the assayed region for this gene and therefore may encompass additional genes. As the precise location of this event is unknown, it may be in tandem or it may be located elsewhere in the genome. This variant has not been reported in the literature in individuals affected with MDM2-related conditions. Experimental studies and prediction algorithms are not available or were not evaluated, and the functional significance of this variant is currently unknown. In summary, the available evidence is currently insufficient to determine the role of this variant in disease. Therefore, it has been classified as a Variant of Uncertain Significance.

NC_000012.11:g.(?_69202258)_(69233629_?)dup

Gene: MDM2 (MDM2 proto-oncogene; plus strand). Cytogenetic location: 12q15.
Variant type: Duplication.
Identifiers: ClinVar variation 1374091 (VCV001374091.5).